The following is an entry in ClinVar:

NM_020631.6(PLEKHG5):c.1392+8C>T

Gene: PLEKHG5 (pleckstrin homology and RhoGEF domain containing G5; minus strand). Cytogenetic location: 1p36.31.
Variant type: single nucleotide variant.
Coding change: c.1392+8C>T on transcript NM_020631.6 (MANE Select); 8 bases into the intron after coding-DNA position 1392, C replaced by T.
Molecular consequence: intron variant.
Genome position (GRCh38, 1-based): chr1:6,470,982, G>A on the plus strand (C>T on the coding strand, the complement: PLEKHG5 is on the minus strand). VCF-style: chr1-6470982-G-A. GRCh37 (hg19) VCF-style: chr1-6531042-G-A.
Other names: c.1392+8C>T (NM_198681.4, NM_001265594.3, NM_001042664.2 and 1 more transcripts); c.1503+8C>T (NM_001042663.3, NM_001265592.2); c.1599+8C>T (NM_001265593.2).
Identifiers: ClinVar variation 1026091 (VCV001026091.9), dbSNP rs771832632, ClinGen allele CA561545.

ClinVar aggregate classification (germline): Uncertain significance (1 of 4 stars; one submission).

Conditions:
Neuronopathy, distal hereditary motor, autosomal recessive 4. Also called: NEUROPATHY, DISTAL HEREDITARY MOTOR, AUTOSOMAL RECESSIVE 4; Autosomal recessive lower motor neuron disease with childhood onset. Identifiers: Orphanet 206580, MedGen C1970211, MONDO:0012608, OMIM 611067.
Charcot-Marie-Tooth disease recessive intermediate C. Also called: CHARCOT-MARIE-TOOTH NEUROPATHY, RECESSIVE INTERMEDIATE C. Identifiers: Orphanet 369867, MedGen C3809309, MONDO:0014154, OMIM 615376.

Allele frequency attached by ClinVar (database versions not stated): ExAC below 0.00001; TOPMed below 0.00001.

Submission:

Labcorp Genetics (formerly Invitae), Labcorp
Classification: Uncertain significance for Neuronopathy, distal hereditary motor, autosomal recessive 4; Charcot-Marie-Tooth disease recessive intermediate C. Last evaluated: 2020-08-29. Review status: criteria provided, single submitter. Criteria: Invitae Variant Classification Sherloc (09022015). Collection method: clinical testing. Allele origin: germline.
Comment: In summary, the available evidence is currently insufficient to determine the role of this variant in disease. Therefore, it has been classified as a Variant of Uncertain Significance. Algorithms developed to predict the effect of sequence changes on RNA splicing suggest that this variant may create or strengthen a splice site, but this prediction has not been confirmed by published transcriptional studies. This variant has not been reported in the literature in individuals with PLEKHG5-related conditions. The frequency data for this variant in the population databases is considered unreliable, as metrics indicate poor data quality at this position in the ExAC database. This sequence change falls in intron 13 of the PLEKHG5 gene. It does not directly change the encoded amino acid sequence of the PLEKHG5 protein.